The following is an entry in ClinVar:

ClinVar aggregate classification (germline): Uncertain significance (1 of 4 stars; one submission).

Submission:

GeneDx
Classification: Uncertain significance. Last evaluated: 2022-03-23. Review status: criteria provided, single submitter. Criteria: GeneDx Variant Classification Process June 2021. Collection method: clinical testing. Allele origin: germline. Affected: yes.
Comment: Not observed at significant frequency in large population cohorts (gnomAD); Canonical splice site variant in a gene or region of a gene for which loss of function is not a well-established mechanism of disease; Has not been previously published as pathogenic or benign to our knowledge

NM_001395656.1(ROBO2):c.1244-2A>G

Gene: ROBO2 (roundabout guidance receptor 2; plus strand). Cytogenetic location: 3p12.3.
Variant type: single nucleotide variant.
Coding change: c.1244-2A>G on transcript NM_001395656.1 (MANE Select); the canonical splice acceptor site of the intron before coding-DNA position 1244, A replaced by G.
Molecular consequence: splice acceptor variant.
Genome position (GRCh38, 1-based): chr3:77,557,942, A>G. VCF-style: chr3-77557942-A-G. GRCh37 (hg19) VCF-style: chr3-77607093-A-G.
Other names: c.1292-2A>G (NM_001378191.1, NM_001378195.1, NM_001378196.1 and 4 more transcripts); c.1280-2A>G (NM_001128929.3); c.1313-2A>G (NM_001394213.1, NM_001378192.1, NM_001378198.1 and 2 more transcripts); c.1301-2A>G (NM_001394212.1, NM_001395657.1, NM_001394214.1); c.1244-2A>G (NM_001290040.2, NM_001290039.2, NM_001378202.1); c.-687-2A>G (NM_001290065.2); c.1232-2A>G (NM_001378197.1, NM_001378193.1, NM_002942.5).
Identifiers: ClinVar variation 1707051 (VCV001707051.2), dbSNP rs1222414540, ClinGen allele CA353576305.